The following is an entry in ClinVar:

NM_032830.3(UTP4):c.1164+8A>G

Gene: UTP4 (UTP4 small subunit processome component). Cytogenetic location: 16q22.1.
Variant type: single nucleotide variant.
Coding change: c.1164+8A>G on transcript NM_032830.3 (MANE Select); 8 bases into the intron after coding-DNA position 1164, A replaced by G.
Molecular consequence: intron variant.
Genome position (GRCh38, 1-based): chr16:69,154,465, A>G. VCF-style: chr16-69154465-A-G. GRCh37 (hg19) VCF-style: chr16-69188368-A-G.
Other names: c.915+8A>G (NM_001318391.2).
Identifiers: ClinVar variation 717483 (VCV000717483.14), dbSNP rs112053857, ClinGen allele CA8132315.

ClinVar aggregate classification (germline): Benign/Likely benign. Review status: criteria provided, multiple submitters, no conflicts (2 of 4 stars). 3 submissions from 3 submitters: Benign (1); Likely benign (1). 1 of the submissions does not count toward it. Last evaluated 2026-01-22.

Conditions:
UTP4-related disorder. Also called: UTP4-related condition.
Hereditary North American Indian childhood cirrhosis. Identifiers: Orphanet 168583, MedGen C1858051, MONDO:0011497, OMIM 604901.

Allele frequency attached by ClinVar (database versions not stated): ESP Exome Variant Server 0.00362; gnomAD exomes 0.00425 and 0.00279; 1000 Genomes Project 0.00140; 1000 Genomes Project 30x 0.00156; ExAC 0.00239; gnomAD 0.00310 and 0.00330; TOPMed 0.00337.
gnomAD v4.1: 6,657 of 1,601,240 alleles (0.42%); highest among the groups gnomAD compares: Non-Finnish European, 0.49%; 24 homozygotes.

Submissions (12):

Labcorp Genetics (formerly Invitae), Labcorp
Classification: Benign. Last evaluated: 2026-01-22. Review status: criteria provided, single submitter. Criteria: Invitae Variant Classification Sherloc (09022015). Collection method: clinical testing. Allele origin: germline.

Illumina Laboratory Services, Illumina
Classification: Likely benign for Hereditary North American Indian childhood cirrhosis. Last evaluated: 2018-01-13. Review status: criteria provided, single submitter. Criteria: ICSL Variant Classification Criteria 13 December 2019. Collection method: clinical testing. Allele origin: germline.
Comment: This variant was observed in the ICSL laboratory as part of a predisposition screen in an ostensibly healthy population. It had not been previously curated by ICSL or reported in the Human Gene Mutation Database (HGMD: prior to June 1st, 2018), and was therefore a candidate for classification through an automated scoring system. Utilizing variant allele frequency, disease prevalence and penetrance estimates, and inheritance mode, an automated score was calculated to assess if this variant is too frequent to cause the disease. Based on the score and internal cut-off values, a variant classified as likely benign is not then subjected to further curation. The score for this variant resulted in a classification of likely benign for this disease.

PreventionGenetics, part of Exact Sciences
Classification: Likely benign for UTP4-related condition. Last evaluated: 2021-03-21. Review status: no assertion criteria provided. Collection method: clinical testing. Allele origin: germline. Not counted in ClinVar's aggregate classification.
Comment: This variant is classified as likely benign based on ACMG/AMP sequence variant interpretation guidelines (Richards et al. 2015 PMID: 25741868, with internal and published modifications).

Dr. Peter K. Rogan Lab, Western University
No classification provided (evidence only). Condition: Clear cell carcinoma of kidney. Review status: no classification provided. Collection method: in vitro. Allele origin: not applicable. Functional consequence: skipped exon. Not counted in ClinVar's aggregate classification.

Dr. Peter K. Rogan Lab, Western University
No classification provided (evidence only). Condition: Lung cancer. Review status: no classification provided. Collection method: in vitro. Allele origin: not applicable. Functional consequence: skipped exon, retained intron. Not counted in ClinVar's aggregate classification.

Dr. Peter K. Rogan Lab, Western University
No classification provided (evidence only). Condition: Acute myeloid leukemia. Review status: no classification provided. Collection method: in vitro. Allele origin: not applicable. Functional consequence: skipped exon, retained intron. Not counted in ClinVar's aggregate classification.

Dr. Peter K. Rogan Lab, Western University
No classification provided (evidence only). Condition: Acute myeloid leukemia. Review status: no classification provided. Collection method: in vitro. Allele origin: not applicable. Functional consequence: retained intron. Not counted in ClinVar's aggregate classification.

Dr. Peter K. Rogan Lab, Western University
No classification provided (evidence only). Condition: Uterine corpus endometrial carcinoma. Review status: no classification provided. Collection method: in vitro. Allele origin: not applicable. Functional consequence: skipped exon, retained intron. Not counted in ClinVar's aggregate classification.

Dr. Peter K. Rogan Lab, Western University
No classification provided (evidence only). Condition: Malignant lymphoma, large B-cell, diffuse. Review status: no classification provided. Collection method: in vitro. Allele origin: not applicable. Functional consequence: retained intron. Not counted in ClinVar's aggregate classification.

Dr. Peter K. Rogan Lab, Western University
No classification provided (evidence only). Condition: Thymoma. Review status: no classification provided. Collection method: in vitro. Allele origin: not applicable. Functional consequence: retained intron. Not counted in ClinVar's aggregate classification.

Dr. Peter K. Rogan Lab, Western University
No classification provided (evidence only). Condition: Ovarian serous cystadenocarcinoma. Review status: no classification provided. Collection method: in vitro. Allele origin: not applicable. Functional consequence: retained intron. Not counted in ClinVar's aggregate classification.

Dr. Peter K. Rogan Lab, Western University
No classification provided (evidence only). Condition: Ovarian serous cystadenocarcinoma. Review status: no classification provided. Collection method: in vitro. Allele origin: not applicable. Functional consequence: retained intron. Not counted in ClinVar's aggregate classification.